The following is an entry in ClinVar:

NM_000540.3(RYR1):c.3800C>G (p.Pro1267Arg)

Gene: RYR1 (ryanodine receptor 1; plus strand). Cytogenetic location: 19q13.2.
Variant type: single nucleotide variant.
Coding change: c.3800C>G on transcript NM_000540.3 (MANE Select); coding-DNA position 3800, C replaced by G.
Protein change: p.Pro1267Arg; replaces proline 1267 with arginine.
Molecular consequence: missense variant.
Genome position (GRCh38, 1-based): chr19:38,473,411, C>G. VCF-style: chr19-38473411-C-G. GRCh37 (hg19) VCF-style: chr19-38964051-C-G.
Other names: c.3800C>G, p.Pro1267Arg (NM_001042723.2); short protein forms P1267R.
Identifiers: ClinVar variation 161370 (VCV000161370.28), dbSNP rs150495044, ClinGen allele CA024408.

ClinVar aggregate classification (germline): Pathogenic/Likely pathogenic. Review status: criteria provided, multiple submitters, no conflicts (2 of 4 stars). 8 submissions from 8 submitters: Pathogenic (1); Likely pathogenic (5). 2 of the submissions do not count toward it. Last evaluated 2025-12-15.

Conditions:
RYR1-related disorder. Also called: RYR1-related condition; RYR1-related disorders. Identifiers: MedGen CN239331.
Myopathy, RYR1-associated.
Multiminicore myopathy. Identifiers: Orphanet 598, MedGen C0270962, MONDO:0018948.
Malignant hyperthermia, susceptibility to, 1 (MHS1). Also called: Anesthesia related hyperthermia; Malignant hyperpyrexia; Fulminating hyperpyrexia; Pharmacogenic myopathy; RYR1-Related Malignant Hyperthermia Susceptibility; Malignant hyperthermia suceptibility 1. Identifiers: Orphanet 423, MedGen C2930980, MONDO:0007783, OMIM 145600.

Allele frequency attached by ClinVar (database versions not stated): ESP Exome Variant Server 0.00008.
gnomAD v4.1: 15 of 1,613,882 alleles (0.00093%); highest among the groups gnomAD compares: East Asian, 0.0022%; no homozygotes.

Submissions (8):

Labcorp Genetics (formerly Invitae), Labcorp
Classification: Pathogenic for RYR1-related disorder. Last evaluated: 2025-12-15. Review status: criteria provided, single submitter. Criteria: Invitae Variant Classification Sherloc (09022015). Collection method: clinical testing. Allele origin: germline.
Comment: This sequence change replaces proline, which is neutral and non-polar, with arginine, which is basic and polar, at codon 1267 of the RYR1 protein (p.Pro1267Arg). This variant is present in population databases (rs150495044, gnomAD 0.006%). This missense change has been observed in individual(s) with autosomal recessive RYR1-related conditions (PMID: 23919265, 26841830, 27066551; internal data). In at least one individual the data is consistent with being in trans (on the opposite chromosome) from a pathogenic variant. ClinVar contains an entry for this variant (Variation ID: 161370). Invitae Evidence Modeling of protein sequence and biophysical properties (such as structural, functional, and spatial information, amino acid conservation, physicochemical variation, residue mobility, and thermodynamic stability) indicates that this missense variant is expected to disrupt RYR1 protein function with a positive predictive value of 95%. For these reasons, this variant has been classified as Pathogenic.

GeneDx
Classification: Likely pathogenic. Last evaluated: 2025-11-21. Review status: criteria provided, single submitter. Criteria: GeneDx Variant Classification Process June 2021. Collection method: clinical testing. Allele origin: germline. Affected: yes.
Comment: Not observed at significant frequency in large population cohorts (gnomAD); In silico analysis supports that this missense variant has a deleterious effect on protein structure/function; This variant is associated with the following publications: (PMID: 25637381, 28269792, 23919265, 26841830, Tariq2021[CaseReport], 27066551, 37269901)

PreventionGenetics, part of Exact Sciences
Classification: Likely pathogenic for RYR1-related condition. Last evaluated: 2025-09-03. Review status: criteria provided, single submitter. Criteria: ACMG Guidelines, 2015. Collection method: clinical testing. Allele origin: germline.
Comment: The RYR1 c.3800C>G variant is predicted to result in the amino acid substitution p.Pro1267Arg. This variant was reported with an additional RYR1 missense variant in two siblings with multi-minicore disease (Amburgey et al 2013. PubMed ID: 23919265). This variant was also reported in the compound heterozygous state with a RYR1 loss-of-function variant in two unrelated individuals with RYR1-related congenital myopathy (See patient M516 in Tian et al. 2015. PubMed ID: 27066551; See P2 in Oliveira et al. 2016. PubMed ID: 26841830). This variant is reported in 0.0055% of alleles in individuals of East Asian descent in gnomAD. This variant is interpreted as likely pathogenic autosomal recessive RYR1-related myopathy. It is uncertain if this variant is associated with malignant hyperthermia susceptibility.

Women's Health and Genetics/Laboratory Corporation of America, LabCorp
Classification: Likely pathogenic. Last evaluated: 2024-05-01. Review status: criteria provided, single submitter. Criteria: LabCorp Variant Classification Summary - May 2015. Collection method: clinical testing. Allele origin: germline.
Comment: Variant summary: RYR1 c.3800C>G (p.Pro1267Arg) results in a non-conservative amino acid change in the encoded protein sequence. Five of five in-silico tools predict a damaging effect of the variant on protein function. The variant allele was found at a frequency of 8e-06 in 248978 control chromosomes. c.3800C>G has been reported in the literature in compound heterozygous individuals affected with RYR1-associated nemaline myopathy, multimincore disease, or other congenital myopathy (e.g. Tian_2015, Amburgey_2013, Oliveria_2016). These data indicate that the variant is likely to be associated with disease. To our knowledge, no experimental evidence demonstrating an impact on protein function has been reported. The following publications have been ascertained in the context of this evaluation (PMID: 23919265, 25637381, 26841830, 27066551). ClinVar contains an entry for this variant (Variation ID: 161370). Based on the evidence outlined above, the variant was classified as likely pathogenic.

Revvity Omics, Revvity
Classification: Likely pathogenic. Last evaluated: 2024-02-26. Review status: criteria provided, single submitter. Criteria: ACMG Guidelines, 2015. Collection method: clinical testing. Allele origin: germline.

Dasa
Classification: Likely pathogenic for RYR1-related disorder. Last evaluated: 2022-02-05. Review status: criteria provided, single submitter. Criteria: ACMG Guidelines, 2015. Collection method: clinical testing. Allele origin: germline. Affected: yes. Observed: 1 variant allele.
Comment: The c.3800C>G;p.(Pro1267Arg) missense variant has been observed in affected individual(s) and ClinVar contains an entry for this variant (PMID: 26841830; 27066551) - PS4_moderate. This variant is not present in population databases (rs150495044; gnomAD; ABraOM no frequency) - PM2. The p.(Pro1267Arg) was detected in trans with a pathogenic variant (PMID: 26841830; 27066551) - PM3_strong. Multiple lines of computational evidence support a deleterious effect on the gene or gene product - PP3. In summary, the currently available evidence indicates that the variant is likely pathogenic.

All of Us Research Program, National Institutes of Health
Classification: Uncertain significance for Malignant hyperthermia, susceptibility to, 1. Last evaluated: 2023-09-17. Review status: flagged submission. Criteria: ACMG Guidelines, 2015. Collection method: clinical testing. Allele origin: germline. Inheritance: Autosomal dominant inheritance. Observed: 4 variant alleles, 4 heterozygotes. Not counted in ClinVar's aggregate classification.
Comment: This missense variant replaces proline with arginine at codon 1267 of the RYR1 protein. Computational prediction suggests that this variant may have deleterious impact on protein structure and function (internally defined REVEL score threshold >= 0.7, PMID: 27666373). To our knowledge, functional studies have not been reported for this variant. This variant has not been reported in individuals affected with autosomal dominant malignant hyperthermia in the literature, although it is associated with other phenotypes (ClinVar Variation ID: 161370). This variant has been identified in 2/248978 chromosomes in the general population by the Genome Aggregation Database (gnomAD). Due to insufficient evidence, this variant is classified as a Variant of Uncertain Significance for autosomal dominant malignant hyperthermia.

This study involves interpretation of variants in research participants for the purpose of population health screening. Participant phenotype was not available at the time of variant classification. Additional details can be found in publication PMID: 35346344, PMCID: PMC8962531
ClinVar note: Reason: Unnecessary conflicting claim for distinct condition when other classifications are more relevant

CSER _CC_NCGL, University of Washington
Classification: Uncertain significance for Multi-minicore disease. Last evaluated: 2014-06-01. Review status: flagged submission. Collection method: research. Allele origin: germline. Inheritance: Autosomal dominant inheritance. Study: ESP 6500 variant annotation. Not counted in ClinVar's aggregate classification.
Comment: Variants classified for the Actionable exomic incidental findings in 6503 participants: challenges of variant classification manuscript
ClinVar note: Reason: Older claim that does not account for recent evidence

Literature cited by the submitters: PubMed 23919265 (cited by Labcorp Genetics (formerly Invitae), Labcorp and Women's Health and Genetics/Laboratory Corporation of America, LabCorp); PubMed 26841830 (cited by 3 submitters); PubMed 27066551 (cited by 3 submitters); PubMed 25637381 (cited by Women's Health and Genetics/Laboratory Corporation of America, LabCorp).